The following is an entry in ClinVar:

ClinVar aggregate classification (germline): Conflicting classifications of pathogenicity. Review status: criteria provided, conflicting classifications (1 of 4 stars). 2 submissions from 2 submitters: Likely pathogenic (1); Uncertain significance (1). Last evaluated 2022-03-08.

Conditions:
Developmental and epileptic encephalopathy, 45 (DEE45). Also called: Epileptic encephalopathy, early infantile, 45. Identifiers: MedGen C4310691, MONDO:0014942, OMIM 617153.

Submissions (2):

GeneDx
Classification: Uncertain significance. Last evaluated: 2022-03-08. Review status: criteria provided, single submitter. Criteria: GeneDx Variant Classification Process June 2021. Collection method: clinical testing. Allele origin: germline. Affected: yes.
Comment: Not observed at significant frequency in large population cohorts (gnomAD); In silico analysis supports that this missense variant has a deleterious effect on protein structure/function; Has not been previously published as pathogenic or benign to our knowledge

Laboratory Cellgenetics, GMDL Cellgenetics
Classification: Likely pathogenic for Developmental and epileptic encephalopathy, 45. Review status: criteria provided, single submitter. Criteria: ACMG Guidelines, 2015. Collection method: clinical testing. Allele origin: de novo. Inheritance: Autosomal dominant inheritance. Affected: yes. Observed: 1 heterozygote.

NM_000812.4(GABRB1):c.898A>T (p.Ile300Phe)

Gene: GABRB1 (gamma-aminobutyric acid type A receptor subunit beta1; plus strand). Cytogenetic location: 4p12.
Variant type: single nucleotide variant.
Coding change: c.898A>T on transcript NM_000812.4 (MANE Select); coding-DNA position 898, A replaced by T.
Protein change: p.Ile300Phe; replaces isoleucine 300 with phenylalanine.
Molecular consequence: missense variant.
Genome position (GRCh38, 1-based): chr4:47,406,744, A>T. VCF-style: chr4-47406744-A-T. GRCh37 (hg19) VCF-style: chr4-47408761-A-T.
Other names: short protein forms I300F.
Identifiers: ClinVar variation 1704699 (VCV001704699.4), dbSNP rs2475468418, ClinGen allele CA356811378.